The following is an entry in ClinVar:

NM_004525.3(LRP2):c.11851G>A (p.Asp3951Asn)

Gene: LRP2 (LDL receptor related protein 2; minus strand). Cytogenetic location: 2q31.1.
Variant type: single nucleotide variant.
Coding change: c.11851G>A on transcript NM_004525.3 (MANE Select); coding-DNA position 11851, G replaced by A.
Protein change: p.Asp3951Asn; replaces aspartic acid 3951 with asparagine.
Molecular consequence: missense variant.
Genome position (GRCh38, 1-based): chr2:169,162,508, C>T on the plus strand (G>A on the coding strand, the complement: LRP2 is on the minus strand). VCF-style: chr2-169162508-C-T. GRCh37 (hg19) VCF-style: chr2-170019018-C-T.
Other names: short protein forms D3951N.
Identifiers: ClinVar variation 975736 (VCV000975736.6), dbSNP rs761977482, ClinGen allele CA1952948.

ClinVar aggregate classification (germline): Uncertain significance. Review status: criteria provided, multiple submitters, no conflicts (2 of 4 stars). 4 submissions from 4 submitters: Uncertain significance (3). 1 of the submissions does not count toward it. Last evaluated 2023-05-17.

Conditions:
Intellectual disability. Also called: intellectual disabilities; Intellectual developmental disorder; Intellectual functioning disability. Identifiers: MedGen C3714756, MeSH D008607, MONDO:0001071, HP:0001249.
LRP2-related disorder. Also called: LRP2-related condition.
Donnai-Barrow syndrome. Also called: DBS/FOAR SYNDROME; FACIOOCULOACOUSTICORENAL SYNDROME. Identifiers: Orphanet 2143, MedGen C1857277, MONDO:0009104, OMIM 222448.

Allele frequency attached by ClinVar (database versions not stated): ExAC 0.00003; gnomAD 0.00008 and 0.00009; gnomAD exomes 0.00002; TOPMed 0.00005.
gnomAD v4.1: 30 of 1,614,066 alleles (0.0019%); highest among the groups gnomAD compares: African/African-American, 0.0053%; no homozygotes.

Submissions (4):

PreventionGenetics, part of Exact Sciences
Classification: Uncertain significance for LRP2-related condition. Last evaluated: 2023-05-17. Review status: criteria provided, single submitter. Criteria: ACMG Guidelines, 2015. Collection method: clinical testing. Allele origin: germline.
Comment: The LRP2 c.11851G>A variant is predicted to result in the amino acid substitution p.Asp3951Asn. To our knowledge, this variant has not been reported in the literature. This variant is reported in 0.0096% of alleles in individuals of Ashkenazi Jewish descent in gnomAD. At this time, the clinical significance of this variant is uncertain due to the absence of conclusive functional and genetic evidence.

Labcorp Genetics (formerly Invitae), Labcorp
Classification: Uncertain significance. Last evaluated: 2022-07-19. Review status: criteria provided, single submitter. Criteria: Invitae Variant Classification Sherloc (09022015). Collection method: clinical testing. Allele origin: germline.
Comment: This sequence change replaces aspartic acid, which is acidic and polar, with asparagine, which is neutral and polar, at codon 3951 of the LRP2 protein (p.Asp3951Asn). This variant is present in population databases (rs761977482, gnomAD 0.01%). This variant has not been reported in the literature in individuals affected with LRP2-related conditions. ClinVar contains an entry for this variant (Variation ID: 975736). Advanced modeling of protein sequence and biophysical properties (such as structural, functional, and spatial information, amino acid conservation, physicochemical variation, residue mobility, and thermodynamic stability) performed at Invitae indicates that this missense variant is not expected to disrupt LRP2 protein function. In summary, the available evidence is currently insufficient to determine the role of this variant in disease. Therefore, it has been classified as a Variant of Uncertain Significance.

Fulgent Genetics
Classification: Uncertain significance for Donnai-Barrow syndrome. Last evaluated: 2022-01-13. Review status: criteria provided, single submitter. Criteria: ACMG Guidelines, 2015. Collection method: clinical testing. Allele origin: unknown.

Centre de Biologie Pathologie Génétique, Centre Hospitalier Universitaire de Lille
Classification: Likely benign for Intellectual disability. Last evaluated: 2019-01-01. Review status: no assertion criteria provided. Collection method: clinical testing. Allele origin: inherited. Affected: yes. Not counted in ClinVar's aggregate classification.